The following is an entry in ClinVar:

NM_000548.5(TSC2):c.4290G>T (p.Trp1430Cys)

Gene: TSC2 (TSC complex subunit 2; plus strand). Cytogenetic location: 16p13.3.
Variant type: single nucleotide variant.
Coding change: c.4290G>T on transcript NM_000548.5 (MANE Select); coding-DNA position 4290, G replaced by T.
Protein change: p.Trp1430Cys; replaces tryptophan 1430 with cysteine.
Molecular consequence: missense variant.
Genome position (GRCh38, 1-based): chr16:2,084,512, G>T. VCF-style: chr16-2084512-G-T. GRCh37 (hg19) VCF-style: chr16-2134513-G-T.
Other names: c.4089G>T, p.Trp1363Cys (NM_001077183.3); c.4221G>T, p.Trp1407Cys (NM_001114382.3); c.3981G>T, p.Trp1327Cys (NM_001318827.2); c.3945G>T, p.Trp1315Cys (NM_001318829.2); c.3558G>T, p.Trp1186Cys (NM_001318831.2); c.4122G>T, p.Trp1374Cys (NM_001318832.2); c.4092G>T, p.Trp1364Cys (NM_001363528.2); c.4158G>T, p.Trp1386Cys (NM_001370404.1); and 1 more; short protein forms W1315C, W1386C, W1387C, W1186C, W1374C, W1407C, W1430C, W1327C.
Identifiers: ClinVar variation 944353 (VCV000944353.9), dbSNP rs45517334, ClinGen allele CA394301003.

ClinVar aggregate classification (germline): Uncertain significance (1 of 4 stars; one submission).

Conditions:
Tuberous sclerosis 2 (TSC2). Identifiers: Orphanet 805, MedGen C1860707, MONDO:0013199, OMIM 613254.

Allele frequency attached by ClinVar (database versions not stated): gnomAD exomes below 0.00001.
gnomAD v4.1: 2 of 1,609,252 alleles (0.00012%); highest among the groups gnomAD compares: Non-Finnish European, 0.000085%; no homozygotes.

Submission:

Labcorp Genetics (formerly Invitae), Labcorp
Classification: Uncertain significance for Tuberous sclerosis 2. Last evaluated: 2019-06-25. Review status: criteria provided, single submitter. Criteria: Invitae Variant Classification Sherloc (09022015). Collection method: clinical testing. Allele origin: germline.
Comment: This sequence change replaces tryptophan with cysteine at codon 1430 of the TSC2 protein (p.Trp1430Cys). The tryptophan residue is moderately conserved and there is a large physicochemical difference between tryptophan and cysteine. This variant is not present in population databases (ExAC no frequency). This variant has not been reported in the literature in individuals with TSC2-related conditions. Algorithms developed to predict the effect of missense changes on protein structure and function are either unavailable or do not agree on the potential impact of this missense change (SIFT: "Tolerated"; PolyPhen-2: "Probably Damaging"; Align-GVGD: "Class C0"). In summary, the available evidence is currently insufficient to determine the role of this variant in disease. Therefore, it has been classified as a Variant of Uncertain Significance.